The following is an entry in ClinVar:

ClinVar aggregate classification (germline): Uncertain significance (1 of 4 stars; one submission).

Conditions:
Hereditary sensory and autonomic neuropathy type 6. Also called: Neuropathy, hereditary sensory and autonomic, type VI; HSAN VI. Identifiers: Orphanet 314381, MedGen C3539003, MONDO:0013839, OMIM 614653.
Epidermolysis bullosa simplex 3, localized or generalized intermediate, with BP230 deficiency (EBS3). Also called: Epidermolysis bullosa simplex, autosomal recessive 2; Epidermolysis bullosa simplex due to BP230 deficiency. Identifiers: Orphanet 412181, MedGen C3809470, MONDO:0014180, OMIM 615425.

Allele frequency attached by ClinVar (database versions not stated): TOPMed below 0.00001; gnomAD 0.00001.
gnomAD v4.1: 9 of 1,608,944 alleles (0.00056%); highest among the groups gnomAD compares: Non-Finnish European, 0.00068%; no homozygotes.

Submission:

Labcorp Genetics (formerly Invitae), Labcorp
Classification: Uncertain significance for Epidermolysis bullosa simplex 3, localized or generalized intermediate, with BP230 deficiency; Hereditary sensory and autonomic neuropathy type 6. Last evaluated: 2019-10-02. Review status: criteria provided, single submitter. Criteria: Invitae Variant Classification Sherloc (09022015). Collection method: clinical testing. Allele origin: germline.
Comment: This variant has not been reported in the literature in individuals with DST-related conditions. In summary, the available evidence is currently insufficient to determine the role of this variant in disease. Therefore, it has been classified as a Variant of Uncertain Significance. Algorithms developed to predict the effect of missense changes on protein structure and function are either unavailable or do not agree on the potential impact of this missense change (SIFT: "Tolerated"; PolyPhen-2: "Not Available"; Align-GVGD: "Class C0"). This variant is not present in population databases (ExAC no frequency). This sequence change replaces leucine with phenylalanine at codon 3921 of the DST protein (p.Leu3921Phe). The leucine residue is moderately conserved and there is a small physicochemical difference between leucine and phenylalanine. The DST gene has multiple clinically relevant transcripts. The p.Leu3921Phe variant occurs in alternate transcript NM_015548.4, which corresponds to c.*113887C>T in NM_001723.5, the primary transcript listed in the Methods.

NM_001374736.1(DST):c.19630C>T (p.Leu6544Phe)

Gene: DST (dystonin; minus strand). Cytogenetic location: 6p12.1.
Variant type: single nucleotide variant.
Coding change: c.19630C>T on transcript NM_001374736.1 (MANE Select); coding-DNA position 19630, C replaced by T.
Protein change: p.Leu6544Phe; replaces leucine 6544 with phenylalanine.
Molecular consequence: missense variant.
Genome position (GRCh38, 1-based): chr6:56,501,630, G>A on the plus strand (C>T on the coding strand, the complement: DST is on the minus strand). VCF-style: chr6-56501630-G-A. GRCh37 (hg19) VCF-style: chr6-56366428-G-A.
Other names: c.13273C>T, p.Leu4425Phe (NM_001144769.5); c.12859C>T, p.Leu4287Phe (NM_001144770.2); c.19630C>T, p.Leu6544Phe (NM_001374722.1); c.18670C>T, p.Leu6224Phe (NM_001374729.1); c.12412C>T, p.Leu4138Phe (NM_001374730.1); c.19657C>T, p.Leu6553Phe (NM_001374734.1); c.11761C>T, p.Leu3921Phe (NM_015548.5); c.12739C>T, p.Leu4247Phe (NM_183380.4); short protein forms L4247F, L6224F, L6553F, L6544F, L3921F, L4138F, L4287F, L4425F.
Identifiers: ClinVar variation 965754 (VCV000965754.8), dbSNP rs1314348115, ClinGen allele CA364520612.